The following is an entry in ClinVar:

ClinVar aggregate classification (germline): Benign (1 of 4 stars; one submission).

Submission:

CeGaT Center for Human Genetics Tuebingen
Classification: Benign. Last evaluated: 2023-05-01. Review status: criteria provided, single submitter. Criteria: CeGaT Center For Human Genetics Tuebingen Variant Classification Criteria Version 2. Collection method: clinical testing. Allele origin: germline. Affected: yes. Observed: 7 variant alleles.
Comment: ANKH: BS1, BS2

NM_054027.6(ANKH):c.*5034del

Genes: ANKH (ANKH inorganic pyrophosphate transport regulator; minus strand), OTULIN (OTU deubiquitinase with linear linkage specificity; plus strand). Cytogenetic location: 5p15.2.
Variant type: Deletion.
Coding change: c.*5034del on transcript NM_054027.6 (MANE Select); 5034 bases downstream of the stop codon, one base deleted (A; older notation c.*5034delA).
Molecular consequence: 3 prime UTR variant.
Genome position (GRCh38, 1-based): chr5:14,706,163, T deleted on the plus strand (A on the coding strand, the reverse complement: ANKH is on the minus strand); the first of 2 consecutive T bases (chr5:14,706,163-14,706,164); deleting either gives the same sequence. VCF-style (leftmost placement, unchanged base first): chr5-14706162-CT-C. GRCh37 (hg19) VCF-style: chr5-14706271-CT-C.
Identifiers: ClinVar variation 351408 (VCV000351408.29), dbSNP rs541644826, ClinGen allele CA10620449.